The following is an entry in ClinVar:

ClinVar aggregate classification (germline): Benign. Review status: criteria provided, multiple submitters, no conflicts (2 of 4 stars). 8 submissions from 8 submitters: Benign (5). 3 of the submissions do not count toward it. Last evaluated 2026-02-04.

Conditions:
Occipital pachygyria and polymicrogyria. Identifiers: Orphanet 280640, MedGen C3279875, MONDO:0013583, OMIM 614115.

Allele frequency attached by ClinVar (database versions not stated): 1000 Genomes Project 0.78674; 1000 Genomes Project 30x 0.79482; TOPMed 0.83990; ESP Exome Variant Server 0.86512.
gnomAD v4.1: 1,310,346 of 1,610,598 alleles (81%); highest among the groups gnomAD compares: African/African-American, 95%; 536,363 homozygotes.

Submissions (8):

Labcorp Genetics (formerly Invitae), Labcorp
Classification: Benign. Last evaluated: 2026-02-04. Review status: criteria provided, single submitter. Criteria: Invitae Variant Classification Sherloc (09022015). Collection method: clinical testing. Allele origin: germline.

Blueprint Genetics
Classification: Benign. Last evaluated: 2024-11-27. Review status: criteria provided, single submitter. Criteria: ACMG Guidelines, 2015. Collection method: clinical testing. Allele origin: germline.

Genome-Nilou Lab
Classification: Benign for Occipital pachygyria and polymicrogyria. Last evaluated: 2021-08-19. Review status: criteria provided, single submitter. Criteria: ACMG Guidelines, 2015. Collection method: clinical testing. Allele origin: germline. Affected: no.

GeneDx
Classification: Benign. Last evaluated: 2015-03-03. Review status: criteria provided, single submitter. Criteria: GeneDx Variant Classification Process June 2021. Collection method: clinical testing. Allele origin: germline. Affected: yes.

Breakthrough Genomics
Classification: Benign. Review status: criteria provided, single submitter. Criteria: ACMG Guidelines, 2015. Collection method: not provided. Allele origin: germline. Inheritance: Autosomal recessive inheritance. Affected: yes.

Clinical Genetics DNA and cytogenetics Diagnostics Lab, Erasmus MC, Erasmus Medical Center
Classification: Benign. Review status: no assertion criteria provided. Collection method: clinical testing. Allele origin: germline. Affected: yes. Study: VKGL Data-share Consensus. Not counted in ClinVar's aggregate classification.

Diagnostic Laboratory, Department of Genetics, University Medical Center Groningen
Classification: Benign for Occipital pachygyria and polymicrogyria. Review status: no assertion criteria provided. Collection method: clinical testing. Allele origin: germline. Affected: yes. Study: VKGL Data-share Consensus. Not counted in ClinVar's aggregate classification.

Genetic Services Laboratory, University of Chicago
Classification: Likely benign for AllHighlyPenetrant. Review status: no assertion criteria provided. Collection method: clinical testing. Allele origin: germline. Inheritance: X-linked inheritance. Not counted in ClinVar's aggregate classification.
Comment: Likely benign based on allele frequency in 1000 Genomes Project or ESP global frequency and its presence in a patient with a rare or unrelated disease phenotype. NOT Sanger confirmed.

NM_006059.4(LAMC3):c.2308C>G (p.Arg770Gly)

Gene: LAMC3 (laminin subunit gamma 3; plus strand). Cytogenetic location: 9q34.12.
Variant type: single nucleotide variant.
Coding change: c.2308C>G on transcript NM_006059.4 (MANE Select); coding-DNA position 2308, C replaced by G.
Protein change: p.Arg770Gly; replaces arginine 770 with glycine.
Molecular consequence: missense variant.
Genome position (GRCh38, 1-based): chr9:131,061,184, C>G. VCF-style: chr9-131061184-C-G. GRCh37 (hg19) VCF-style: chr9-133936571-C-G.
Other names: short protein forms R770G.
Identifiers: ClinVar variation 129456 (VCV000129456.20), dbSNP rs3739510, ClinGen allele CA153480.